The following is an entry in ClinVar:

NM_003803.4(MYOM1):c.2306T>C (p.Val769Ala)

Gene: MYOM1 (myomesin 1; minus strand). Cytogenetic location: 18p11.31.
Variant type: single nucleotide variant.
Coding change: c.2306T>C on transcript NM_003803.4 (MANE Select); coding-DNA position 2306, T replaced by C.
Protein change: p.Val769Ala; replaces valine 769 with alanine.
Molecular consequence: missense variant.
Genome position (GRCh38, 1-based): chr18:3,134,728, A>G on the plus strand (T>C on the coding strand, the complement: MYOM1 is on the minus strand). VCF-style: chr18-3134728-A-G. GRCh37 (hg19) VCF-style: chr18-3134726-A-G.
Other names: c.2306T>C, p.Val769Ala (NM_019856.2); short protein forms V769A.
Identifiers: ClinVar variation 3223552 (VCV003223552.1), dbSNP rs1193258176, ClinGen allele CA401712647.

ClinVar aggregate classification (germline): Uncertain significance (1 of 4 stars; one submission).

Allele frequency attached by ClinVar (database versions not stated): gnomAD exomes below 0.00001.
gnomAD v4.1: 1 of 1,613,860 alleles (0.000062%); highest among the groups gnomAD compares: East Asian, 0.0022%; no homozygotes.

Submission:

Ambry Genetics
Classification: Uncertain significance. Last evaluated: 2024-01-22. Review status: criteria provided, single submitter. Criteria: Ambry Variant Classification Scheme 2023. Collection method: clinical testing. Allele origin: germline.
Comment: The p.V769A variant (also known as c.2306T>C), located in coding exon 15 of the MYOM1 gene, results from a T to C substitution at nucleotide position 2306. The valine at codon 769 is replaced by alanine, an amino acid with similar properties. This amino acid position is conserved. In addition, the in silico prediction for this alteration is inconclusive. Based on the available evidence, the clinical significance of this alteration remains unclear.